The following is an entry in ClinVar:

ClinVar aggregate classification (germline): Pathogenic/Likely pathogenic. Review status: criteria provided, multiple submitters, no conflicts (2 of 4 stars). 4 submissions from 4 submitters: Pathogenic (1); Likely pathogenic (3). Last evaluated 2023-10-02.

Conditions:
Neuronal ceroid lipofuscinosis. Also called: Neuronal Ceroid Lipofuscinoses. Identifiers: Orphanet 216, Orphanet 79263, MedGen C0027877, MONDO:0016295. Disease mechanism: loss of function.
CLN3-related disorders.
Neuronal ceroid lipofuscinosis 3 (CLN3). Identifiers: Orphanet 228346, MedGen C0751383, MONDO:0008767, OMIM 204200.

Allele frequency attached by ClinVar (database versions not stated): gnomAD exomes below 0.00001.
gnomAD v4.1: 4 of 1,612,298 alleles (0.00025%); highest among the groups gnomAD compares: Non-Finnish European, 0.00034%; no homozygotes.

Submissions (4):

Baylor Genetics
Classification: Likely pathogenic for Neuronal ceroid lipofuscinosis 3. Last evaluated: 2023-10-02. Review status: criteria provided, single submitter. Criteria: ACMG Guidelines, 2015. Collection method: clinical testing. Allele origin: unknown.

Labcorp Genetics (formerly Invitae), Labcorp
Classification: Pathogenic for Neuronal ceroid lipofuscinosis. Last evaluated: 2023-08-18. Review status: criteria provided, single submitter. Criteria: Invitae Variant Classification Sherloc (09022015). Collection method: clinical testing. Allele origin: germline.
Comment: This sequence change creates a premature translational stop signal (p.Gln251*) in the CLN3 gene. It is expected to result in an absent or disrupted protein product. Loss-of-function variants in CLN3 are known to be pathogenic (PMID: 9311735, 28542676). This variant is not present in population databases (gnomAD no frequency). This variant has not been reported in the literature in individuals affected with CLN3-related conditions. ClinVar contains an entry for this variant (Variation ID: 866297). For these reasons, this variant has been classified as Pathogenic.

Ocular Genomics Institute, Massachusetts Eye and Ear
Classification: Likely pathogenic for Neuronal ceroid lipofuscinosis 3. Last evaluated: 2021-04-08. Review status: criteria provided, single submitter. Criteria: ACMG Guidelines, 2015. Collection method: research. Allele origin: germline. Affected: yes.
Comment: Through a review of available evidence we were able to apply the following criteria: PVS1, PM2. Based on this evidence we have classified this variant as Likely Pathogenic.

Blueprint Genetics
Classification: Likely pathogenic for CLN3-related disorders. Last evaluated: 2019-02-19. Review status: criteria provided, single submitter. Criteria: ACMG Guidelines, 2015. Collection method: clinical testing. Allele origin: germline. Affected: yes. Observed: 1 variant allele.

Literature cited by the submitters: PubMed 9311735 (cited by Labcorp Genetics (formerly Invitae), Labcorp); PubMed 28542676 (cited by Labcorp Genetics (formerly Invitae), Labcorp).

NM_001042432.2(CLN3):c.751C>T (p.Gln251Ter)

Gene: CLN3 (CLN3 lysosomal/endosomal transmembrane protein, battenin; minus strand). Cytogenetic location: 16p12.1.
Variant type: single nucleotide variant.
Coding change: c.751C>T on transcript NM_001042432.2 (MANE Select); coding-DNA position 751, C replaced by T.
Protein change: p.Gln251Ter; replaces glutamine 251 with a stop codon.
Molecular consequence: nonsense.
Genome position (GRCh38, 1-based): chr16:28,484,045, G>A on the plus strand (C>T on the coding strand, the complement: CLN3 is on the minus strand). VCF-style: chr16-28484045-G-A. GRCh37 (hg19) VCF-style: chr16-28495366-G-A.
Other names: c.751C>T, p.Gln251Ter (NM_000086.2); c.679C>T, p.Gln227Ter (NM_001286104.2); c.451C>T, p.Gln151Ter (NM_001286105.2); c.517C>T, p.Gln173Ter (NM_001286109.2); c.589C>T, p.Gln197Ter (NM_001286110.2); short protein forms Q251*, Q151*, Q173*, Q227*, Q197*.
Identifiers: ClinVar variation 866297 (VCV000866297.10), dbSNP rs2046158549, ClinGen allele CA395344775.